The following is an entry in ClinVar:

NM_000552.5(VWF):c.5222T>C (p.Ile1741Thr)

Gene: VWF (von Willebrand factor; minus strand). Cytogenetic location: 12p13.31.
Variant type: single nucleotide variant.
Coding change: c.5222T>C on transcript NM_000552.5 (MANE Select); coding-DNA position 5222, T replaced by C.
Protein change: p.Ile1741Thr; replaces isoleucine 1741 with threonine.
Molecular consequence: missense variant.
Genome position (GRCh38, 1-based): chr12:6,016,605, A>G on the plus strand (T>C on the coding strand, the complement: VWF is on the minus strand). VCF-style: chr12-6016605-A-G. GRCh37 (hg19) VCF-style: chr12-6125771-A-G.
Other names: c.5222T>C (NM_000552.4); short protein forms I1741T.
Identifiers: ClinVar variation 2572095 (VCV002572095.3), dbSNP rs749377211, ClinGen allele CA6402345.

ClinVar aggregate classification (germline): Uncertain significance. Review status: criteria provided, multiple submitters, no conflicts (2 of 4 stars). 3 submissions from 3 submitters: Uncertain significance (2). 1 of the submissions does not count toward it. Last evaluated 2025-10-07.

Conditions:
von Willebrand disease type 1 (VWD1). Also called: VON WILLEBRAND DISEASE, TYPE I; VWD, TYPE 1. Identifiers: Orphanet 166078, Orphanet 903, MedGen C1264039, MONDO:0008668, OMIM 193400. Inheritance: autosomal recessive or autosomal dominant.
VWF-related disorder. Also called: VWF-related disorders; VWF-related condition.

Allele frequency attached by ClinVar (database versions not stated): ExAC 0.00002; TOPMed 0.00002; gnomAD 0.00003.
gnomAD v4.1: 47 of 1,614,096 alleles (0.0029%); highest among the groups gnomAD compares: Non-Finnish European, 0.0036%; no homozygotes.

Submissions (3):

Women's Health and Genetics/Laboratory Corporation of America, LabCorp
Classification: Uncertain significance. Last evaluated: 2025-10-07. Review status: criteria provided, single submitter. Criteria: LabCorp Variant Classification Summary - May 2015. Collection method: clinical testing. Allele origin: germline.
Comment: Variant summary: VWF c.5222T>C (p.Ile1741Thr) results in a non-conservative amino acid change in the encoded protein sequence. Algorithms developed to predict the effect of missense changes on protein structure and function are either unavailable or do not agree on the potential impact of this missense change. The variant allele was found at a frequency of 1.6e-05 in 251488 control chromosomes. The available data on variant occurrences in the general population are insufficient to allow any conclusion about variant significance. To our knowledge, no occurrence of c.5222T>C in individuals affected with VWF-related conditions and no experimental evidence demonstrating its impact on protein function have been reported. ClinVar contains an entry for this variant (Variation ID: 2572095). Based on the evidence outlined above, the variant was classified as uncertain significance.

ISTH-SSC Genomics in Thrombosis and Hemostasis, KU Leuven, Center for Molecular and Vascular Biology
Classification: Uncertain significance for von Willebrand disease type 1. Review status: criteria provided, single submitter. Criteria: ACMG Guidelines, 2015. Collection method: clinical testing. Allele origin: germline. Affected: yes. Observed: 1 heterozygote.
Comment: Submitted to the GoldVariant database by Kathleen Freson, Center for Molecular and Vascular Biology

PreventionGenetics, part of Exact Sciences
Classification: Uncertain significance for VWF-related condition. Last evaluated: 2024-03-20. Review status: no assertion criteria provided. Collection method: clinical testing. Allele origin: germline. Not counted in ClinVar's aggregate classification.
Comment: The VWF c.5222T>C variant is predicted to result in the amino acid substitution p.Ile1741Thr. To our knowledge, this variant has not been reported in the literature. This variant is reported in 0.0039% of alleles in individuals of European (Non-Finnish) descent in gnomAD. At this time, the clinical significance of this variant is uncertain due to the absence of conclusive functional and genetic evidence.